The following is an entry in ClinVar:

NM_003105.6(SORL1):c.1516_1517delinsTT (p.Ala506Phe)

Gene: SORL1 (sortilin related receptor 1; plus strand). Cytogenetic location: 11q24.1.
Variant type: Indel.
Coding change: c.1516_1517delinsTT on transcript NM_003105.6 (MANE Select); coding-DNA positions 1516 to 1517, GC replaced by TT.
Protein change: p.Ala506Phe; replaces alanine 506 with phenylalanine.
Molecular consequence: missense variant.
Genome position (GRCh38, 1-based): chr11:121,522,697-121,522,698, GC replaced by TT. VCF-style: chr11-121522697-GC-TT. GRCh37 (hg19) VCF-style: chr11-121393406-GC-TT.
Other names: short protein forms A506F.
Identifiers: ClinVar variation 4727574 (VCV004727574.1).

ClinVar aggregate classification (germline): Uncertain significance (1 of 4 stars; one submission).

Submission:

Labcorp Genetics (formerly Invitae), Labcorp
Classification: Uncertain significance. Last evaluated: 2025-09-21. Review status: criteria provided, single submitter. Criteria: Invitae Variant Classification Sherloc (09022015). Collection method: clinical testing. Allele origin: germline.
Comment: This sequence change replaces alanine, which is neutral and non-polar, with phenylalanine, which is neutral and non-polar, at codon 506 of the SORL1 protein (p.Ala506Phe). Information on the frequency of this variant in the gnomAD database is not available, as this variant may be reported differently in the database. This variant has not been reported in the literature in individuals affected with SORL1-related conditions. An algorithm developed to predict the effect of missense changes on protein structure and function (PolyPhen-2) suggests that this variant is likely to be disruptive. In summary, the available evidence is currently insufficient to determine the role of this variant in disease. Therefore, it has been classified as a Variant of Uncertain Significance.